The following is an entry in ClinVar:

ClinVar aggregate classification (germline): Uncertain significance (1 of 4 stars; one submission).

Conditions:
Aortic aneurysm, familial thoracic 7 (AAT7). Also called: AORTIC DISSECTION, FAMILIAL, WITH OR WITHOUT AORTIC ANEURYSM. Identifiers: MedGen C3151077, MONDO:0013418, OMIM 613780.

gnomAD v4.1: 1 of 1,614,158 alleles (0.000062%); highest among the groups gnomAD compares: African/African-American, 0.0013%; no homozygotes.

Submission:

Labcorp Genetics (formerly Invitae), Labcorp
Classification: Uncertain significance for Aortic aneurysm, familial thoracic 7. Last evaluated: 2025-09-14. Review status: criteria provided, single submitter. Criteria: Invitae Variant Classification Sherloc (09022015). Collection method: clinical testing. Allele origin: germline.
Comment: This sequence change replaces alanine, which is neutral and non-polar, with threonine, which is neutral and polar, at codon 114 of the MYLK protein (p.Ala114Thr). This variant is present in population databases (rs566501002, gnomAD 0.007%). This variant has not been reported in the literature in individuals affected with MYLK-related conditions. ClinVar contains an entry for this variant (Variation ID: 3705906). Invitae Evidence Modeling of protein sequence and biophysical properties (such as structural, functional, and spatial information, amino acid conservation, physicochemical variation, residue mobility, and thermodynamic stability) indicates that this missense variant is not expected to disrupt MYLK protein function with a negative predictive value of 95%. In summary, the available evidence is currently insufficient to determine the role of this variant in disease. Therefore, it has been classified as a Variant of Uncertain Significance.

NM_053025.4(MYLK):c.340G>A (p.Ala114Thr)

Gene: MYLK (myosin light chain kinase; minus strand). Cytogenetic location: 3q21.1.
Variant type: single nucleotide variant.
Coding change: c.340G>A on transcript NM_053025.4 (MANE Select); coding-DNA position 340, G replaced by A.
Protein change: p.Ala114Thr; replaces alanine 114 with threonine.
Molecular consequence: missense variant. On other transcripts: intron variant (1).
Genome position (GRCh38, 1-based): chr3:123,752,364, C>T on the plus strand (G>A on the coding strand, the complement: MYLK is on the minus strand). VCF-style: chr3-123752364-C-T. GRCh37 (hg19) VCF-style: chr3-123471211-C-T.
Other names: c.340G>A, p.Ala114Thr (NM_053026.4, NM_053027.4, NM_053028.4); c.-155-12363G>A (NM_001321309.2); short protein forms A114T.
Identifiers: ClinVar variation 3705906 (VCV003705906.2).
Genomic context (GRCh38, chr3:123,752,364, plus strand): 5'-CCTGGACTCGGGCCTCCTGGGACTCACCTTCTACTGTCAACTCCACTGTCACCTGGCGAG[C>T]ACCACTGCCATTGGTGGCTTCACAGGTATACTTTCCCCTGTCCTCCTCATGGACAGCATG-3'
Protein context (NP_444253.3, residues 104-124): YTCEATNGSG[Ala114Thr]RQVTVELTVE